The following is an entry in ClinVar:

NM_000179.3(MSH6):c.3816_3819dup (p.Glu1274delinsLysTer)

Gene: MSH6 (mutS homolog 6; plus strand). Cytogenetic location: 2p16.3.
Variant type: Duplication.
Coding change: c.3816_3819dup on transcript NM_000179.3 (MANE Select); coding-DNA positions 3816 to 3819, 4 bases duplicated (AAAT; older notation c.3816_3819dupAAAT).
Protein change: p.Glu1274delinsLysTer.
Molecular consequence: nonsense. On other transcripts: frameshift variant (38).
Genome position (GRCh38, 1-based): chr2:47,806,466-47,806,469, AAAT duplicated. VCF-style (leftmost placement, unchanged base first): chr2-47806465-A-AAAAT. GRCh37 (hg19) VCF-style: chr2-48033604-A-AAAAT.
Other names: c.3426_3429dup, p.Glu1144delinsLysTer (NM_001281492.2); c.2910_2913dup, p.Glu972delinsLysTer (NM_001281493.2, NM_001281494.2); c.3912_3915dup, p.Glu1306Lysfs (NM_001406795.1); c.3816_3819dup, p.Glu1274Lysfs (NM_001406796.1, NM_001406808.1, NM_001406809.1); c.3519_3522dup, p.Glu1175Lysfs (NM_001406797.1, NM_001406801.1, NM_001406805.1 and 10 more transcripts); c.3642_3645dup, p.Glu1216Lysfs (NM_001406798.1); c.3291_3294dup, p.Glu1099Lysfs (NM_001406799.1, NM_001406806.1, NM_001406807.1); c.3803_3806dup, p.Met1269Ilefs (NM_001406800.1); and 10 more.
Identifiers: ClinVar variation 1735198 (VCV001735198.6), dbSNP rs2530855807, ClinGen allele CA1139771865.
Genomic context (GRCh38, chr2:47,806,465, plus strand): 5'-CACTTCTCTTGCTAGCACATGTATCGCTAATATTTTTCTTTCTTAAGGCATGCATGGTAG[A>AAAAT]AAATGAATGTGAAGACCCCAGCCAGGAGACTATTACGTTCCTCTATAAATTCATTAAGGG-3'

ClinVar aggregate classification (germline): Pathogenic. Review status: criteria provided, multiple submitters, no conflicts (2 of 4 stars). 3 submissions from 3 submitters: Pathogenic (3). Last evaluated 2025-04-11.

Conditions:
Hereditary nonpolyposis colorectal neoplasms. Identifiers: MedGen C0009405, MeSH D003123.
Hereditary cancer-predisposing syndrome. Also called: Neoplastic Syndromes, Hereditary; Tumor predisposition; Hereditary Cancer Syndrome; Hereditary neoplastic syndrome. Identifiers: Orphanet 140162, MedGen C0027672, MeSH D009386, MONDO:0015356.
Lynch syndrome 5 (LYNCH5). Also called: Colorectal cancer, hereditary nonpolyposis, type 5; Hereditary non-polyposis colorectal cancer, type 5. Identifiers: Orphanet 144, MedGen C1833477, MONDO:0013710, OMIM 614350. Disease mechanism: loss of function.

Allele frequency attached by ClinVar (database versions not stated): gnomAD exomes below 0.00001.

Submissions (3):

Ambry Genetics
Classification: Pathogenic for Hereditary cancer-predisposing syndrome. Last evaluated: 2025-04-11. Review status: criteria provided, single submitter. Criteria: Ambry Variant Classification Scheme 2023. Collection method: clinical testing. Allele origin: germline.
Comment: The c.3816_3819dupAAAT pathogenic mutation, located in coding exon 9 of the MSH6 gene, results from a duplication of AAAT at nucleotide position 3816, causing a translational frameshift with a predicted alternate stop codon (p.E1274Kfs*2). This variant is considered to be rare based on population cohorts in the Genome Aggregation Database (gnomAD). This alteration is expected to result in loss of function by premature protein truncation or nonsense-mediated mRNA decay. As such, this alteration is interpreted as a disease-causing mutation.

Myriad Genetics, Inc.
Classification: Pathogenic for Lynch syndrome 5. Last evaluated: 2024-09-18. Review status: criteria provided, single submitter. Criteria: Myriad Autosomal Dominant, Autosomal Recessive and X-Linked Classification Criteria (2023). Collection method: clinical testing. Allele origin: unknown.
Comment: This variant is considered pathogenic. This variant creates a frameshift predicted to result in premature protein truncation.

Labcorp Genetics (formerly Invitae), Labcorp
Classification: Pathogenic for Hereditary nonpolyposis colorectal neoplasms. Last evaluated: 2024-03-15. Review status: criteria provided, single submitter. Criteria: Invitae Variant Classification Sherloc (09022015). Collection method: clinical testing. Allele origin: germline.
Comment: This sequence change creates a premature translational stop signal (p.Glu1274Lysfs*2) in the MSH6 gene. It is expected to result in an absent or disrupted protein product. Loss-of-function variants in MSH6 are known to be pathogenic (PMID: 18269114, 24362816). This variant is not present in population databases (gnomAD no frequency). This premature translational stop signal has been observed in individual(s) with MSH6-related conditions (PMID: 17973265). ClinVar contains an entry for this variant (Variation ID: 1735198). Algorithms developed to predict the effect of sequence changes on RNA splicing suggest that this variant may disrupt the consensus splice site. For these reasons, this variant has been classified as Pathogenic.

Literature cited by the submitters: PubMed 18269114 (cited by Labcorp Genetics (formerly Invitae), Labcorp); PubMed 24362816 (cited by Labcorp Genetics (formerly Invitae), Labcorp); PubMed 17973265 (cited by Labcorp Genetics (formerly Invitae), Labcorp).